The following is an entry in ClinVar:

NM_001277115.2(DNAH11):c.2274+1del

Gene: DNAH11 (dynein axonemal heavy chain 11; plus strand). Cytogenetic location: 7p15.3.
Variant type: Deletion.
Coding change: c.2274+1del on transcript NM_001277115.2 (MANE Select); the canonical splice donor site of the intron after coding-DNA position 2274, one base deleted (G; older notation c.2274+1delG).
Molecular consequence: splice donor variant.
Genome position (GRCh38, 1-based): chr7:21,591,023, G deleted; the last of 2 consecutive G bases (chr7:21,591,022-21,591,023); deleting either gives the same sequence. VCF-style (leftmost placement, unchanged base first): chr7-21591021-AG-A. GRCh37 (hg19) VCF-style: chr7-21630639-AG-A.
Identifiers: ClinVar variation 1788822 (VCV001788822.3), dbSNP rs2534596587, ClinGen allele CA2580076922.

ClinVar aggregate classification (germline): Conflicting classifications of pathogenicity. Review status: criteria provided, conflicting classifications (1 of 4 stars). 2 submissions from 2 submitters: Likely pathogenic (1); Uncertain significance (1). Last evaluated 2025-02-11.

Conditions:
Primary ciliary dyskinesia 7. Also called: CILIARY DYSKINESIA, PRIMARY, 7, WITH OR WITHOUT SITUS INVERSUS. Identifiers: Orphanet 244, MedGen C2678473, MONDO:0012748, OMIM 611884.
Primary ciliary dyskinesia. Also called: Ciliary dyskinesia. Identifiers: Orphanet 244, MedGen C0008780, MONDO:0016575, HP:0012265.

Submissions (2):

Broad Center for Mendelian Genomics, Broad Institute of MIT and Harvard
Classification: Uncertain significance for Primary ciliary dyskinesia 7. Last evaluated: 2025-02-11. Review status: criteria provided, single submitter. Criteria: ACMG Guidelines, 2015. Collection method: curation. Allele origin: germline. Inheritance: Autosomal recessive inheritance.
Comment: The c.2274+1del variant in DNAH11 has not been previously reported in the literature in individuals with primary ciliary dyskinesia, but has been identified in 0.0003% (3/1131884) of European (non-Finnish) chromosomes by the Genome Aggregation Database (gnomAD). Although this variant has been seen in the general population in a heterozygous state, its frequency is low enough to be consistent with a recessive carrier frequency. This variant has been reported in ClinVar (Variation ID: 1788822) and has been interpreted as likely pathogenic by Ambry Genetics. This variant is located in the 3' splice region. Computational tools predict a splicing impact, though this information is not predictive enough to determine pathogenicity. This variant is adjacent to an in-frame exon and is more likely to escape nonsense mediated decay (NMD) and result in a truncated protein. Loss of function of the DNAH11 gene is an established disease mechanism in autosomal recessive primary ciliary dyskinesia. In summary, the clinical significance of the c.2274+1del variant is uncertain. ACMG/AMP Criteria applied: PVS1_moderate, PM2_supporting (Richards 2015).

Ambry Genetics
Classification: Likely pathogenic for Primary ciliary dyskinesia. Last evaluated: 2016-10-07. Review status: criteria provided, single submitter. Criteria: Ambry Variant Classification Scheme 2023. Collection method: clinical testing. Allele origin: germline.
Comment: The c.2274+1delG intronic variant, located in intron 13 of the DNAH11 gene, results from a deletion of one nucleotide within intron 13 of the DNAH11 gene. This variant was not reported in population based cohorts in the following databases: Database of Single Nucleotide Polymorphisms (dbSNP), NHLBI Exome Sequencing Project (ESP), and 1000 Genomes Project. In the ESP, this variant was not observed in 5826 samples (11652 alleles) with coverage at this position. This nucleotide position is highly conserved in available vertebrate species. Using the BDGP and ESEfinder splice site prediction tools, this alteration is predicted to abolish the native splice donor site; however, direct evidence is unavailable. Based on the majority of available evidence to date, this variant is likely to be pathogenic.